The following is an entry in ClinVar:

NM_020832.3(ZNF687):c.1403C>T (p.Ala468Val)

Gene: ZNF687 (zinc finger protein 687; plus strand). Cytogenetic location: 1q21.3.
Variant type: single nucleotide variant.
Coding change: c.1403C>T on transcript NM_020832.3 (MANE Select); coding-DNA position 1403, C replaced by T.
Protein change: p.Ala468Val; replaces alanine 468 with valine.
Molecular consequence: missense variant.
Genome position (GRCh38, 1-based): chr1:151,287,694, C>T. VCF-style: chr1-151287694-C-T. GRCh37 (hg19) VCF-style: chr1-151260170-C-T.
Other names: c.1403C>T, p.Ala468Val (NM_001304763.2, NM_001304764.2); short protein forms A468V.
Identifiers: ClinVar variation 3001848 (VCV003001848.3), dbSNP rs1258032223, ClinGen allele CA341940191.
Genomic context (GRCh38, chr1:151,287,694, plus strand): 5'-CCCTGCCTAAGGCTGACGGGCGGGCAGGGCTGGGGACTGGGGGACAGAAGGTGAATGGTG[C>T]CTCGGTGGTGATGGTGCAACCTTCAAAGACAGCTACTGGGCCAAGTACAGGGGGCGGCAC-3'
Protein context (NP_065883.1, residues 458-478): LGTGGQKVNG[Ala468Val]SVVMVQPSKT

ClinVar aggregate classification (germline): Uncertain significance (1 of 4 stars; one submission).

Allele frequency attached by ClinVar (database versions not stated): gnomAD 0.00001; gnomAD exomes 0.00002.
gnomAD v4.1: 26 of 1,613,238 alleles (0.0016%); highest among the groups gnomAD compares: Non-Finnish European, 0.0021%; no homozygotes.

Submission:

Labcorp Genetics (formerly Invitae), Labcorp
Classification: Uncertain significance. Last evaluated: 2023-07-18. Review status: criteria provided, single submitter. Criteria: Invitae Variant Classification Sherloc (09022015). Collection method: clinical testing. Allele origin: germline.
Comment: In summary, the available evidence is currently insufficient to determine the role of this variant in disease. Therefore, it has been classified as a Variant of Uncertain Significance. An algorithm developed to predict the effect of missense changes on protein structure and function (PolyPhen-2) suggests that this variant is likely to be disruptive. This variant has not been reported in the literature in individuals affected with ZNF687-related conditions. This sequence change replaces alanine, which is neutral and non-polar, with valine, which is neutral and non-polar, at codon 468 of the ZNF687 protein (p.Ala468Val). This variant is not present in population databases (gnomAD no frequency).